The following is an entry in ClinVar:

NM_138295.5(PKD1L1):c.1332G>A (p.Ala444=)

Gene: PKD1L1 (polycystin 1 like 1, transient receptor potential channel interacting; minus strand). Cytogenetic location: 7p12.3.
Variant type: single nucleotide variant.
Coding change: c.1332G>A on transcript NM_138295.5 (MANE Select); coding-DNA position 1332, G replaced by A.
Protein change: p.Ala444=; no amino-acid change (alanine 444 retained).
Molecular consequence: synonymous variant.
Genome position (GRCh38, 1-based): chr7:47,908,147, C>T on the plus strand (G>A on the coding strand, the complement: PKD1L1 is on the minus strand). VCF-style: chr7-47908147-C-T. GRCh37 (hg19) VCF-style: chr7-47947744-C-T.
Other names: c.1332G>A (NM_138295.3).
Identifiers: ClinVar variation 3719008 (VCV003719008.3).
Genomic context (GRCh38, chr7:47,908,147, plus strand): 5'-CACTTGGGAGTCAGCAAAGACAAGCACTTCATCTTCATGGACACTGCTGGAGTTCATGAA[C>T]GCAGACACGGCCTCATGGCCAATCTCCACATAATAAGGCCCAAGCTCCACTTCGGTTCCA-3'
Protein context (NP_612152.1, residues 434-454): YVEIGHEAVS[Ala444=]FMNSSSVHED

ClinVar aggregate classification (germline): Likely benign. Review status: criteria provided, multiple submitters, no conflicts (2 of 4 stars). 2 submissions from 2 submitters: Likely benign (2). Last evaluated 2025-08-25.

Conditions:
PKD1L1-related disorder. Also called: PKD1L1-related condition.

gnomAD v4.1: 45 of 1,614,178 alleles (0.0028%); highest among the groups gnomAD compares: East Asian, 0.058%; no homozygotes.

Submissions (2):

PreventionGenetics, part of Exact Sciences
Classification: Likely benign for PKD1L1-related condition. Last evaluated: 2025-08-25. Review status: criteria provided, single submitter. Criteria: ACMG Guidelines, 2015. Collection method: clinical testing. Allele origin: germline.
Comment: This variant is classified as likely benign based on ACMG/AMP sequence variant interpretation guidelines (Richards et al. 2015 PMID: 25741868, with internal and published modifications).

Labcorp Genetics (formerly Invitae), Labcorp
Classification: Likely benign. Last evaluated: 2024-07-12. Review status: criteria provided, single submitter. Criteria: Invitae Variant Classification Sherloc (09022015). Collection method: clinical testing. Allele origin: germline.